The following is an entry in ClinVar:

ClinVar aggregate classification (germline): Uncertain significance (1 of 4 stars; one submission).

Submission:

GeneDx
Classification: Uncertain significance. Last evaluated: 2026-02-25. Review status: criteria provided, single submitter. Criteria: GeneDx Variant Classification Process June 2021. Collection method: clinical testing. Allele origin: germline.
Comment: Frameshift variant predicted to result in abnormal protein length as the last 25 amino acids are replaced with 67 different amino acids; Not observed at significant frequency in large population cohorts (gnomAD); Has not been previously published as pathogenic or benign to our knowledge

NM_000612.6(IGF2):c.466dup (p.Arg156fs)

Genes: IGF2 (insulin like growth factor 2; minus strand), INS-IGF2 (INS-IGF2 readthrough; minus strand). Cytogenetic location: 11p15.5.
Variant type: Duplication.
Coding change: c.466dup on transcript NM_000612.6 (MANE Select); coding-DNA position 466, one base duplicated (C; older notation c.466dupC).
Protein change: p.Arg156fs; shifts the reading frame from arginine 156.
Molecular consequence: frameshift variant. On other transcripts: non-coding transcript variant (1).
Genome position (GRCh38, 1-based): chr11:2,133,064, G duplicated on the plus strand (C on the coding strand, the reverse complement: IGF2 is on the minus strand); the first of 2 consecutive G bases (chr11:2,133,064-2,133,065); duplicating either gives the same sequence. VCF-style (leftmost placement, unchanged base first): chr11-2133063-C-CG. GRCh37 (hg19) VCF-style: chr11-2154293-C-CG.
Other names: c.466dup, p.Arg156fs (NM_001007139.6, NM_001291861.3, NM_001291862.3); c.634dup, p.Arg212fs (NM_001127598.3); short protein forms R156fs, R212fs.
Identifiers: ClinVar variation 3384327 (VCV003384327.2).